The following is an entry in ClinVar:

ClinVar aggregate classification (germline): Pathogenic. Review status: reviewed by expert panel (3 of 4 stars). 17 submissions from 15 submitters: Pathogenic (1). 16 of the submissions do not count toward it. Last evaluated 2024-12-03.

Conditions:
Von Willebrand disease type 2A. Identifiers: Orphanet 166084, MedGen C1282968, MONDO:0015628. Inheritance: Autosomal recessive or autosomal dominant.
von Willebrand disease type 1 (VWD1). Also called: VWD, TYPE 1; VON WILLEBRAND DISEASE, TYPE I. Identifiers: Orphanet 166078, Orphanet 903, MedGen C1264039, MONDO:0008668, OMIM 193400. Inheritance: autosomal recessive or autosomal dominant.
von Willebrand disease type 2M (VWD2M). Identifiers: Orphanet 166090, MedGen C1282974, MONDO:0015630.
Hereditary von Willebrand disease. Identifiers: Orphanet 903, MedGen C5703318, MONDO:0019565. Inheritance: Autosomal recessive or Autosomal dominant.
von Willebrand disease type 2 (VWD2). Also called: VWD, TYPE 2; VON WILLEBRAND DISEASE, TYPE 2A/IIE; VON WILLEBRAND DISEASE, TYPE 2CB; VON WILLEBRAND DISEASE, TYPE II. Identifiers: Orphanet 166081, Orphanet 903, MedGen C1264040, MONDO:0013304, OMIM 613554.
Prolonged bleeding time. Identifiers: MedGen C0151529, HP:0003010.
Abnormal bleeding. Also called: Bleeding diathesis. Identifiers: MedGen C1458140, HP:0001892.

gnomAD v4.1: 2 of 1,613,878 alleles (0.00012%); highest among the groups gnomAD compares: Non-Finnish European, 0.00017%; no homozygotes.

Submissions 1 to 6 of 17:

ClinGen von Willebrand Disease Variant Curation Expert Panel, ClinGen
Classification: Pathogenic for von Willebrand disease type 2. Last evaluated: 2024-12-03. Review status: reviewed by expert panel. Criteria: ClinGen VWD 2A B M Rules. Collection method: curation. Allele origin: germline. Inheritance: Autosomal dominant inheritance.
Comment: NM_000552.5(VWF):c.4121G>A is a missense variant predicted to cause substitution of Arginine by Histidine at amino acid 1374. This variant is absent from gnomAD v4.1 (PM2_Supporting). The computational predictor computational predictor REVEL gives a score of 0.879, which is above the ClinGen VWD VCEP threshold of >0.644 and predicts a damaging effect on VWF function (PP3). Family M proband I.1 (PMID: 7734373) with this variant displayed excessive mucocutaneous bleeding as well as laboratory phenotypes of a complete set of vWF multimers present but relative reduction of the larger multimers, low VWF:RCo/VWF:Ag ratio (<0.4), and VWF:RCo <3-10 IU/dl (PP4). Additional consistent phenotypes included FVIII activity consistent with VWF antigen. This variant has been reported in >8 additional probands with consistent laboratory phenotypes (PS4_VeryStrong; PMIDs: 7620154, 9031470, 11154147, 7734373, 38315875, 28083987, 28536718). The variant has been reported to segregate with VWD type [2A/2M] through at least 2 affected meioses in at least 2 families (PP1_Moderate; PMID: 7734373, PMID: 7620154). A platelet binding assay in COS-7 cells expressing the recombinant VWF variant showed decreased binding indicating that this variant has a damaging effect on protein function relative to the rVWF wild-type control (PMID: 10845912, PS3). In summary, this variant meets the criteria to be classified as Pathogenic for autosomal dominant VWD type 2 based on the ACMG/AMP criteria applied, as specified by the ClinGen VWD VCEP: PS3, PS4_VeryStrong, PM2_supporting, PP1_Moderate, PP3, PP4. Recent analysis (PMID: 38315875) reports that patients with R1374H have severely reduced VWF:GPIbR/VWF:Ag and a modest decrease in VWF:CB/VWF:Ag ratios. This can be explained by 2 defects, (1) a reduced VWF A1 domain binding to GPIb and (2) an altered VWF multimeric pattern in which patients showed a slightly diminished proportion of HMWM and little increase of low and intermediate multimers. They hypothesize that the slight reduction of HMWM (characteristic of type 2A) is primarily responsible for marginally reduced VWF:CB/VWF:Ag ratio, whereas the markedly reduced VWF:GPIbR/VWF:Ag ratio is mainly because of a type 2M defect (diminished binding of A1-GPIb) and propose a subtype designation of 2M/2A for this variant.

Revvity Omics, Revvity
Classification: Pathogenic. Last evaluated: 2024-08-22. Review status: criteria provided, single submitter. Criteria: ACMG Guidelines, 2015. Collection method: clinical testing. Allele origin: germline. Not counted in ClinVar's aggregate classification.

Mayo Clinic Laboratories, Mayo Clinic
Classification: Pathogenic. Last evaluated: 2024-03-28. Review status: criteria provided, single submitter. Criteria: ACMG Guidelines, 2015. Collection method: clinical testing. Allele origin: germline. Not counted in ClinVar's aggregate classification.
Comment: PP1, PP3, PP5, PM2_moderate, PM5, PS3, PS4_moderate

ARUP Laboratories, Molecular Genetics and Genomics, ARUP Laboratories
Classification: Pathogenic. Last evaluated: 2023-09-11. Review status: criteria provided, single submitter. Criteria: ARUP Molecular Germline Variant Investigation Process 2024. Collection method: clinical testing. Allele origin: germline. Not counted in ClinVar's aggregate classification.
Comment: The VWF c.4121G>A; p.Arg1374His variant (rs61750072), also known as R611H, is reported in the literature in multiple individuals and segregates with disease in families affected with von Willebrand disease type 2A or type 2M (Borras 2017, Castaman 1995, Corrales 2009, Flood 2013, Goodeve 2007, Hilbert 1995). This variant is also reported in ClinVar (Variation ID: 100330). It is absent from the Genome Aggregation Database, indicating it is not a common polymorphism. The arginine at codon 1374 is highly conserved, and computational analyses predict that this variant is deleterious (REVEL: 0.879). Functional analyses of the variant protein show decreased multimer formation and a loss of platelet binding (Ajzenberg 2000, Hilbert 1995, Tischer 2014). Additionally, other amino acid substitutions at this codon (Cys, Leu, Ser) have been reported in individuals with von Willebrand disease type 2A or type 2M and are considered pathogenic (Borras 2017, Corrales 2009, Flood 2013, Hilbert 1995, Veyradier 2016). Based on available information, this variant is considered to be pathogenic. References: Ajzenberg N et al. Effect of recombinant von Willebrand factor reproducing type 2B or type 2M mutations on shear-induced platelet aggregation. Blood. 2000 Jun 15;95(12):3796-803. PMID: 10845912. Borras N et al. Molecular and clinical profile of von Willebrand disease in Spain (PCM-EVW-ES): comprehensive genetic analysis by next-generation sequencing of 480 patients. Haematologica. 2017 Dec;102(12):2005-2014. PMID: 28971901. Castaman G et al. A novel candidate mutation (Arg611-->His) in type I 'platelet discordant' von Willebrand's disease with desmopressin-induced thrombocytopenia. Br J Haematol. 1995 Mar;89(3):656-8. PMID: 7734373. Corrales I et al. Rapid molecular diagnosis of von Willebrand disease by direct sequencing. Detection of 12 novel putative mutations in VWF gene. Thromb Haemost. 2009 Mar;101(3):570-6. PMID: 19277422. Flood VH et al. Collagen binding provides a sensitive screen for variant von Willebrand disease. Clin Chem. 2013 Apr;59(4):684-91. PMID: 23340442. Goodeve A et al. Phenotype and genotype of a cohort of families historically diagnosed with type 1 von Willebrand disease in the European study, Molecular and Clinical Markers for the Diagnosis and Management of Type 1 von Willebrand Disease (MCMDM-1VWD). Blood. 2007 Jan 1;109(1):112-21. PMID: 16985174. Hilbert L et al. Identification of two mutations (Arg611Cys and Arg611His) in the A1 loop of von Willebrand factor (vWF) responsible for type 2 von Willebrand disease with decreased platelet-dependent function of vWF. Blood. 1995 Aug 1;86(3):1010-8. PMID: 7620154. Tischer A et al. Misfolding of vWF to pathologically disordered conformations impacts the severity of von Willebrand disease. Biophys J. 2014 Sep 2;107(5):1185-1195. PMID: 25185554. Veyradier A et al. A Laboratory Phenotype/Genotype Correlation of 1167 French Patients From 670 Families With von Willebrand Disease: A New Epidemiologic Picture. Medicine (Baltimore). 2016 Mar;95(11):e3038. PMID: 26986123.

GeneDx
Classification: Pathogenic. Last evaluated: 2023-08-03. Review status: criteria provided, single submitter. Criteria: GeneDx Variant Classification Process June 2021. Collection method: clinical testing. Allele origin: germline. Affected: yes. Not counted in ClinVar's aggregate classification.
Comment: Published functional studies demonstrate a damaging effect, including decreased or absent platelet binding (Hilbert et al., 1995; Tischer et al., 2014); Not observed at significant frequency in large population cohorts (gnomAD); Variant considered pathogenic by a well-established clinical consortium and/or database; In silico analysis supports that this missense variant does not alter protein structure/function; Also known as p.R611H using alternate nomenclature; This variant is associated with the following publications: (PMID: 31064749, 34758185, 33556167, 31589614, 25696906, 7620154, 22329792, 26879396, 23340442, 26988807, 7734373, 16985174, 29924855, 26200876, 23349392, 18805962, 19277422, 19404524, 18384353, 17087728, 11776047, 10845912, 25185554)

Women's Health and Genetics/Laboratory Corporation of America, LabCorp
Classification: Pathogenic for von Willebrand disorder. Last evaluated: 2022-12-01. Review status: criteria provided, single submitter. Criteria: LabCorp Variant Classification Summary - May 2015. Collection method: clinical testing. Allele origin: germline. Not counted in ClinVar's aggregate classification.
Comment: Variant summary: VWF c.4121G>A (p.Arg1374His) results in a non-conservative amino acid change located in the von Willebrand factor, type A domain (IPR002035) of the encoded protein sequence. Five of five in-silico tools predict a damaging effect of the variant on protein function. The variant was absent in 250960 control chromosomes. c.4121G>A has been widely reported in the literature as a heterozygous genotype in a dominant transmission in multiple individuals affected with Von Willebrand Disease (example, Hilbert_1995, Boender_2018). These data indicate that the variant is very likely to be associated with disease. Several publicatios report experimental evidence evaluating an impact on protein function (example, Hilbert_1995). The most pronounced variant effect results in a significant decrease in the high MW multimeric forms. Risocetin and Botrocetin induced binding of mutated rvWFs to platelets were also markedly decreased. Seven clinical diagnostic laboratories have submitted clinical-significance assessments for this variant to ClinVar after 2014 without evidence for independent evaluation. All laboratories classified the variant as pathogenic. Based on the evidence outlined above, the variant was classified as pathogenic.

NM_000552.5(VWF):c.4121G>A (p.Arg1374His)

Gene: VWF (von Willebrand factor; minus strand). Cytogenetic location: 12p13.31.
Variant type: single nucleotide variant.
Coding change: c.4121G>A on transcript NM_000552.5 (MANE Select); coding-DNA position 4121, G replaced by A.
Protein change: p.Arg1374His; replaces arginine 1374 with histidine.
Molecular consequence: missense variant.
Genome position (GRCh38, 1-based): chr12:6,019,297, C>T on the plus strand (G>A on the coding strand, the complement: VWF is on the minus strand). VCF-style: chr12-6019297-C-T. GRCh37 (hg19) VCF-style: chr12-6128463-C-T.
Other names: p.R1374H; NM_000552.5(VWF):c.4121G>A; short protein forms R1374H.
Identifiers: ClinVar variation 100330 (VCV000100330.27), dbSNP rs61750072, ClinGen allele CA228541.